The following is an entry in ClinVar:

ClinVar aggregate classification (germline): Pathogenic (1 of 4 stars; one submission).

Conditions:
Cone-rod dystrophy 13 (CORD13). Identifiers: Orphanet 1872, MedGen C2750720, MONDO:0011987, OMIM 608194.
Leber congenital amaurosis 6 (LCA6). Identifiers: Orphanet 65, MedGen C1854260, MONDO:0013446, OMIM 613826.

Submission:

Labcorp Genetics (formerly Invitae), Labcorp
Classification: Pathogenic for Leber congenital amaurosis 6; Cone-rod dystrophy 13. Last evaluated: 2021-10-14. Review status: criteria provided, single submitter. Criteria: Invitae Variant Classification Sherloc (09022015). Collection method: clinical testing. Allele origin: germline.
Comment: This sequence change creates a premature translational stop signal (p.Gln1204*) in the RPGRIP1 gene. It is expected to result in an absent or disrupted protein product. Loss-of-function variants in RPGRIP1 are known to be pathogenic (PMID: 11528500, 23105016). This variant is not present in population databases (ExAC no frequency). This variant has not been reported in the literature in individuals affected with RPGRIP1-related conditions. For these reasons, this variant has been classified as Pathogenic.

Literature cited by the submitters: PubMed 11528500; PubMed 23105016.

NM_020366.4(RPGRIP1):c.3610C>T (p.Gln1204Ter)

Gene: RPGRIP1 (RPGR interacting protein 1; plus strand). Cytogenetic location: 14q11.2.
Variant type: single nucleotide variant.
Coding change: c.3610C>T on transcript NM_020366.4 (MANE Select); coding-DNA position 3610, C replaced by T.
Protein change: p.Gln1204Ter; replaces glutamine 1204 with a stop codon.
Molecular consequence: nonsense.
Genome position (GRCh38, 1-based): chr14:21,345,190, C>T. VCF-style: chr14-21345190-C-T. GRCh37 (hg19) VCF-style: chr14-21813349-C-T.
Other names: c.1588C>T, p.Gln530Ter (NM_001377523.1, NM_001377950.1); c.2536C>T, p.Gln846Ter (NM_001377948.1); c.1696C>T, p.Gln566Ter (NM_001377949.1); c.1093C>T, p.Gln365Ter (NM_001377951.1); short protein forms Q566*, Q846*, Q1204*, Q365*, Q530*.
Identifiers: ClinVar variation 1452857 (VCV001452857.6), dbSNP rs2139350315, ClinGen allele CA388857597.